The following is an entry in ClinVar:

ClinVar aggregate classification (germline): Uncertain significance. Review status: criteria provided, multiple submitters, no conflicts (2 of 4 stars). 2 submissions from 2 submitters: Uncertain significance (2). Last evaluated 2025-10-08.

Allele frequency attached by ClinVar (database versions not stated): gnomAD 0.00005.
gnomAD v4.1: 16 of 1,612,588 alleles (0.00099%); highest among the groups gnomAD compares: Admixed American, 0.0017%; no homozygotes.

Submissions (2):

Labcorp Genetics (formerly Invitae), Labcorp
Classification: Uncertain significance. Last evaluated: 2025-10-08. Review status: criteria provided, single submitter. Criteria: Invitae Variant Classification Sherloc (09022015). Collection method: clinical testing. Allele origin: germline.
Comment: This sequence change replaces serine, which is neutral and polar, with alanine, which is neutral and non-polar, at codon 158 of the SLC25A32 protein (p.Ser158Ala). This variant is present in population databases (rs199996323, gnomAD 0.002%). This variant has not been reported in the literature in individuals affected with SLC25A32-related conditions. ClinVar contains an entry for this variant (Variation ID: 3163687). An algorithm developed to predict the effect of missense changes on protein structure and function outputs the following: PolyPhen-2: "Benign". The alanine amino acid residue is found in multiple mammalian species, which suggests that this missense change does not adversely affect protein function. In summary, the available evidence is currently insufficient to determine the role of this variant in disease. Therefore, it has been classified as a Variant of Uncertain Significance.

Ambry Genetics
Classification: Uncertain significance. Last evaluated: 2023-12-27. Review status: criteria provided, single submitter. Criteria: Ambry Variant Classification Scheme 2023. Collection method: clinical testing. Allele origin: germline.

NM_030780.5(SLC25A32):c.472T>G (p.Ser158Ala)

Gene: SLC25A32 (solute carrier family 25 member 32; minus strand). Cytogenetic location: 8q22.3.
Variant type: single nucleotide variant.
Coding change: c.472T>G on transcript NM_030780.5 (MANE Select); coding-DNA position 472, T replaced by G.
Protein change: p.Ser158Ala; replaces serine 158 with alanine.
Molecular consequence: missense variant. On other transcripts: non-coding transcript variant (2).
Genome position (GRCh38, 1-based): chr8:103,403,244, A>C on the plus strand (T>G on the coding strand, the complement: SLC25A32 is on the minus strand). VCF-style: chr8-103403244-A-C. GRCh37 (hg19) VCF-style: chr8-104415472-A-C.
Other names: short protein forms S158A.
Identifiers: ClinVar variation 3163687 (VCV003163687.2), dbSNP rs199996323, ClinGen allele CA182558020.